The following is an entry in ClinVar:

ClinVar aggregate classification (germline): Uncertain significance. Review status: criteria provided, multiple submitters, no conflicts (2 of 4 stars). 2 submissions from 2 submitters: Uncertain significance (2). Last evaluated 2024-12-19.

Conditions:
Arrhythmogenic right ventricular dysplasia 8 (ARVD8). Also called: Arrhythmogenic Right Ventricular Dysplasia/Cardiomyopathy 8; ARRHYTHMOGENIC RIGHT VENTRICULAR DYSPLASIA, FAMILIAL, 8; ARRHYTHMOGENIC RIGHT VENTRICULAR CARDIOMYOPATHY 8. Identifiers: MedGen C1843896, MONDO:0011831, OMIM 607450.
Arrhythmogenic cardiomyopathy with wooly hair and keratoderma. Also called: PALMOPLANTAR KERATODERMA WITH LEFT VENTRICULAR CARDIOMYOPATHY AND WOOLLY HAIR; Carvajal syndrome; Dilated cardiomyopathy with woolly hair and keratoderma; Arrhythmogenic cardiomyopathy with woolly hair and keratoderma. Identifiers: Orphanet 65282, MedGen C1854063, MONDO:0011581, OMIM 605676.
Cardiomyopathy (CMYO). Also called: Cardiomyopathies. Identifiers: Orphanet 167848, MedGen C0878544, MONDO:0004994, HP:0001638. Inheritance: Various modes of inheritance.

Allele frequency attached by ClinVar (database versions not stated): gnomAD exomes below 0.00001.
gnomAD v4.1: 2 of 1,613,762 alleles (0.00012%); highest among the groups gnomAD compares: Non-Finnish European, 0.00017%; no homozygotes.

Submissions (2):

Labcorp Genetics (formerly Invitae), Labcorp
Classification: Uncertain significance for Arrhythmogenic cardiomyopathy with wooly hair and keratoderma; Arrhythmogenic right ventricular dysplasia 8. Last evaluated: 2024-12-19. Review status: criteria provided, single submitter. Criteria: Invitae Variant Classification Sherloc (09022015). Collection method: clinical testing. Allele origin: germline.
Comment: This sequence change falls in intron 3 of the DSP gene. It does not directly change the encoded amino acid sequence of the DSP protein. It affects a nucleotide within the consensus splice site. This variant is not present in population databases (gnomAD no frequency). This variant has not been reported in the literature in individuals affected with DSP-related conditions. ClinVar contains an entry for this variant (Variation ID: 925090). Variants that disrupt the consensus splice site are a relatively common cause of aberrant splicing (PMID: 17576681, 9536098). Algorithms developed to predict the effect of sequence changes on RNA splicing suggest that this variant may disrupt the consensus splice site. In summary, the available evidence is currently insufficient to determine the role of this variant in disease. Therefore, it has been classified as a Variant of Uncertain Significance.

Color Diagnostics, LLC DBA Color Health
Classification: Uncertain significance for Cardiomyopathy. Last evaluated: 2019-09-30. Review status: criteria provided, single submitter. Criteria: ACMG Guidelines, 2015. Collection method: clinical testing. Allele origin: germline.
Comment: This variant causes an A>G nucleotide substitution at the +3 position of intron 3 of the DSP gene. Splice site prediction tools predict that this variant may have a significant impact on RNA splicing. To our knowledge, functional studies have not been performed for this variant. This variant has not been reported in individuals affected with cardiovascular disorders in the literature. This variant has not been identified in the general population by the Genome Aggregation Database (gnomAD). The available evidence is insufficient to determine the role of this variant in disease conclusively. Therefore, this variant is classified as a Variant of Uncertain Significance.

Literature cited by the submitters: PubMed 17576681 (cited by Labcorp Genetics (formerly Invitae), Labcorp); PubMed 9536098 (cited by Labcorp Genetics (formerly Invitae), Labcorp).

NM_004415.4(DSP):c.422+3A>G

Gene: DSP (desmoplakin; plus strand). Cytogenetic location: 6p24.3.
Variant type: single nucleotide variant.
Coding change: c.422+3A>G on transcript NM_004415.4 (MANE Select); 3 bases into the intron after coding-DNA position 422, A replaced by G.
Molecular consequence: intron variant.
Genome position (GRCh38, 1-based): chr6:7,558,267, A>G. VCF-style: chr6-7558267-A-G. GRCh37 (hg19) VCF-style: chr6-7558500-A-G.
Other names: c.422+3A>G (NM_001008844.3, NM_001319034.2).
Identifiers: ClinVar variation 925090 (VCV000925090.6), dbSNP rs1758564707, ClinGen allele CA1139659437.